The following is an entry in ClinVar:

NM_020461.4(TUBGCP6):c.5053G>A (p.Ala1685Thr)

Gene: TUBGCP6 (tubulin gamma complex component 6; minus strand). Cytogenetic location: 22q13.33.
Variant type: single nucleotide variant.
Coding change: c.5053G>A on transcript NM_020461.4 (MANE Select); coding-DNA position 5053, G replaced by A.
Protein change: p.Ala1685Thr; replaces alanine 1685 with threonine.
Molecular consequence: missense variant.
Genome position (GRCh38, 1-based): chr22:50,218,304, C>T on the plus strand (G>A on the coding strand, the complement: TUBGCP6 is on the minus strand). VCF-style: chr22-50218304-C-T. GRCh37 (hg19) VCF-style: chr22-50656733-C-T.
Other names: short protein forms A1685T.
Identifiers: ClinVar variation 2737668 (VCV002737668.2), dbSNP rs367630361, ClinGen allele CA325508968.

ClinVar aggregate classification (germline): Uncertain significance (1 of 4 stars; one submission).

Allele frequency attached by ClinVar (database versions not stated): gnomAD 0.00001; ESP Exome Variant Server 0.00008.
gnomAD v4.1: 16 of 1,612,938 alleles (0.00099%); highest among the groups gnomAD compares: Middle Eastern, 0.016%; no homozygotes.

Submission:

Labcorp Genetics (formerly Invitae), Labcorp
Classification: Uncertain significance. Last evaluated: 2024-03-02. Review status: criteria provided, single submitter. Criteria: Invitae Variant Classification Sherloc (09022015). Collection method: clinical testing. Allele origin: germline.
Comment: This sequence change replaces alanine, which is neutral and non-polar, with threonine, which is neutral and polar, at codon 1685 of the TUBGCP6 protein (p.Ala1685Thr). This variant is not present in population databases (gnomAD no frequency). This variant has not been reported in the literature in individuals affected with TUBGCP6-related conditions. An algorithm developed to predict the effect of missense changes on protein structure and function (PolyPhen-2) suggests that this variant is likely to be disruptive. In summary, the available evidence is currently insufficient to determine the role of this variant in disease. Therefore, it has been classified as a Variant of Uncertain Significance.